The following is an entry in ClinVar:

NM_000138.5(FBN1):c.5423-4G>A

Gene: FBN1 (fibrillin 1; minus strand). Cytogenetic location: 15q21.1.
Variant type: single nucleotide variant.
Coding change: c.5423-4G>A on transcript NM_000138.5 (MANE Select); 4 bases into the intron before coding-DNA position 5423, G replaced by A.
Molecular consequence: intron variant.
Genome position (GRCh38, 1-based): chr15:48,452,688, C>T on the plus strand (G>A on the coding strand, the complement: FBN1 is on the minus strand). VCF-style: chr15-48452688-C-T. GRCh37 (hg19) VCF-style: chr15-48744885-C-T.
Other names: c.5423-4G>A (NM_000138.4).
Identifiers: ClinVar variation 237098 (VCV000237098.27), dbSNP rs377036485, ClinGen allele CA054949.

ClinVar aggregate classification (germline): Conflicting classifications of pathogenicity. Review status: criteria provided, conflicting classifications (1 of 4 stars). 8 submissions from 8 submitters: Uncertain significance (1); Benign (1); Likely benign (5). 1 of the submissions does not count toward it. Last evaluated 2025-11-21.

Conditions:
Marfan syndrome (MFS). Also called: MARFAN SYNDROME, TYPE I; FBN1-Related Marfan Syndrome; Marfan syndrome, classic; Marfan syndrome type 1; Marfan's syndrome. Identifiers: Orphanet 284963, Orphanet 558, MedGen C0024796, MONDO:0007947, OMIM 154700.
Familial thoracic aortic aneurysm and aortic dissection (TAAD). Also called: Thoracic aortic aneurysms and dissections. Identifiers: Orphanet 91387, MedGen C4707243, MONDO:0019625.
FBN1-related disorder. Also called: FBN1-related disorders.

Allele frequency attached by ClinVar (database versions not stated): gnomAD exomes 0.00004 and 0.00013; gnomAD 0.00025 and 0.00026; 1000 Genomes Project 0.00060; ExAC 0.00013; ESP Exome Variant Server 0.00054; TOPMed 0.00039; 1000 Genomes Project 30x 0.00078.
gnomAD v4.1: 98 of 1,614,022 alleles (0.0061%); highest among the groups gnomAD compares: African/African-American, 0.11%; no homozygotes.

Submissions (8):

Labcorp Genetics (formerly Invitae), Labcorp
Classification: Likely benign for Marfan syndrome; Familial thoracic aortic aneurysm and aortic dissection. Last evaluated: 2025-11-21. Review status: criteria provided, single submitter. Criteria: Invitae Variant Classification Sherloc (09022015). Collection method: clinical testing. Allele origin: germline.

Broad Center for Mendelian Genomics, Broad Institute of MIT and Harvard
Classification: Likely benign. Last evaluated: 2020-01-22. Review status: criteria provided, single submitter. Criteria: ACMG Guidelines, 2015. Collection method: curation. Allele origin: germline.
Comment: The c.5423-4G>A variant in FBN1 has not been previously reported in individuals with Marfan Syndrome but has been reported as likely benign and a VUS in ClinVar (Variation ID: 237098). This variant has been identified in 0.1162% (29/24966) of African chromosomes, 0.008469% (3/35424) of Latino chromosomes, and 0.0007757% (1/128922) of European (non-Finnish) chromosomes by the Genome Aggregation Database (gnomAD; dbSNP rs377036485). Computational prediction tools, including splice predictors, and conservation analyses suggest that this variant may not impact the protein, though this information is not predictive enough to rule out pathogenicity. The number of missense variants reported in FBN1 in the general population is lower than expected, suggesting there is little benign variation in this gene and slightly increasing the possibility that a missense variant in this gene may not be tolerated. In summary, although additional studies are required to fully establish its clinical significance, this variant is likely benign. ACMG/AMP Criteria applied: BS1, BP4, BP7, PP2 (Richards 2015).

Ambry Genetics
Classification: Likely benign for Familial thoracic aortic aneurysm and aortic dissection. Last evaluated: 2019-07-28. Review status: criteria provided, single submitter. Criteria: Ambry Variant Classification Scheme 2023. Collection method: clinical testing. Allele origin: germline.

Blueprint Genetics
Classification: Likely benign. Last evaluated: 2019-02-26. Review status: criteria provided, single submitter. Criteria: ACMG Guidelines, 2015. Collection method: clinical testing. Allele origin: germline.

Color Diagnostics, LLC DBA Color Health
Classification: Benign for Familial thoracic aortic aneurysm and aortic dissection. Last evaluated: 2018-12-31. Review status: criteria provided, single submitter. Criteria: ACMG Guidelines, 2015. Collection method: clinical testing. Allele origin: germline.

GeneDx
Classification: Likely benign. Last evaluated: 2017-03-08. Review status: criteria provided, single submitter. Criteria: GeneDx Variant Classification (06012015). Collection method: clinical testing. Allele origin: germline. Affected: yes.
Comment: This variant is considered likely benign or benign based on one or more of the following criteria: it is a conservative change, it occurs at a poorly conserved position in the protein, it is predicted to be benign by multiple in silico algorithms, and/or has population frequency not consistent with disease.

Eurofins Ntd Llc (ga)
Classification: Uncertain significance. Last evaluated: 2016-05-02. Review status: criteria provided, single submitter. Criteria: EGL Classification Definitions 2015. Collection method: clinical testing. Allele origin: germline. Observed: 1 variant allele, 1 heterozygote.

PreventionGenetics, part of Exact Sciences
Classification: Likely benign for FBN1-related condition. Last evaluated: 2019-04-01. Review status: no assertion criteria provided. Collection method: clinical testing. Allele origin: germline. Not counted in ClinVar's aggregate classification.
Comment: This variant is classified as likely benign based on ACMG/AMP sequence variant interpretation guidelines (Richards et al. 2015 PMID: 25741868, with internal and published modifications).